The following is an entry in ClinVar:

ClinVar aggregate classification (germline): Uncertain significance. Review status: criteria provided, multiple submitters, no conflicts (2 of 4 stars). 2 submissions from 2 submitters: Uncertain significance (2). Last evaluated 2025-07-21.

Conditions:
Sulfite oxidase deficiency due to molybdenum cofactor deficiency type A. Also called: Molybdenum Cofactor Deficiency A; Molybdenum cofactor deficiency, complementation group A. Identifiers: Orphanet 308386, Orphanet 833, MedGen C1854988, MONDO:0009643, OMIM 252150.
Inborn genetic diseases. Identifiers: MedGen C0950123, MeSH D030342.

Allele frequency attached by ClinVar (database versions not stated): gnomAD exomes 0.00004 and 0.00008; ExAC 0.00008.
gnomAD v4.1: 60 of 1,613,918 alleles (0.0037%); highest among the groups gnomAD compares: South Asian, 0.064%; no homozygotes.

Submissions (2):

Labcorp Genetics (formerly Invitae), Labcorp
Classification: Uncertain significance for Sulfite oxidase deficiency due to molybdenum cofactor deficiency type A. Last evaluated: 2025-07-21. Review status: criteria provided, single submitter. Criteria: Invitae Variant Classification Sherloc (09022015). Collection method: clinical testing. Allele origin: germline.
Comment: This sequence change replaces isoleucine, which is neutral and non-polar, with valine, which is neutral and non-polar, at codon 151 of the MOCS1 protein (p.Ile151Val). This variant is present in population databases (rs760464651, gnomAD 0.06%). This variant has not been reported in the literature in individuals affected with MOCS1-related conditions. ClinVar contains an entry for this variant (Variation ID: 1502540). An algorithm developed to predict the effect of missense changes on protein structure and function (PolyPhen-2) suggests that this variant is likely to be tolerated. In summary, the available evidence is currently insufficient to determine the role of this variant in disease. Therefore, it has been classified as a Variant of Uncertain Significance.

Ambry Genetics
Classification: Uncertain significance for Inborn genetic diseases. Last evaluated: 2022-03-16. Review status: criteria provided, single submitter. Criteria: Ambry Variant Classification Scheme 2023. Collection method: clinical testing. Allele origin: germline.

NM_001358530.2(MOCS1):c.451A>G (p.Ile151Val)

Gene: MOCS1 (molybdenum cofactor synthesis 1; minus strand). Cytogenetic location: 6p21.2.
Variant type: single nucleotide variant.
Coding change: c.451A>G on transcript NM_001358530.2 (MANE Select); coding-DNA position 451, A replaced by G.
Protein change: p.Ile151Val; replaces isoleucine 151 with valine.
Molecular consequence: missense variant. On other transcripts: non-coding transcript variant (1).
Genome position (GRCh38, 1-based): chr6:39,916,200, T>C on the plus strand (A>G on the coding strand, the complement: MOCS1 is on the minus strand). VCF-style: chr6-39916200-T-C. GRCh37 (hg19) VCF-style: chr6-39883944-T-C.
Other names: c.451A>G, p.Ile151Val (NM_001075098.4, NM_001358529.2, NM_005943.6); c.190A>G, p.Ile64Val (NM_001358531.2, NM_001358533.2, NM_001358534.2); c.451A>G (NM_005943.5); short protein forms I151V, I64V.
Identifiers: ClinVar variation 1502540 (VCV001502540.5), dbSNP rs760464651, ClinGen allele CA3796272.